The following is an entry in ClinVar:

ClinVar aggregate classification (germline): Pathogenic (1 of 4 stars; one submission).

Conditions:
Androgen resistance syndrome (AIS). Also called: ANDROGEN RECEPTOR DEFICIENCY; DIHYDROTESTOSTERONE RECEPTOR DEFICIENCY; TESTICULAR FEMINIZATION SYNDROME; DHTR DEFICIENCY; Androgen insensitivity syndrome; Androgen insensitivity. Identifiers: Orphanet 754, Orphanet 99429, MedGen C0039585, MONDO:0019154, OMIM 300068. Disease mechanism: loss of function.
Kennedy disease (SMAX1). Also called: SPINAL AND BULBAR MUSCULAR ATROPHY, X-LINKED 1; KENNEDY SPINAL AND BULBAR MUSCULAR ATROPHY; Spinal and Bulbar Muscular Atrophy. Identifiers: Orphanet 481, MedGen C1839259, MONDO:0010735, OMIM 313200.

Submission:

Labcorp Genetics (formerly Invitae), Labcorp
Classification: Pathogenic for Kennedy disease; Androgen resistance syndrome. Last evaluated: 2025-07-31. Review status: criteria provided, single submitter. Criteria: Invitae Variant Classification Sherloc (09022015). Collection method: clinical testing. Allele origin: germline.
Comment: This sequence change creates a premature translational stop signal (p.Leu822*) in the AR gene. It is expected to result in an absent or disrupted protein product. Loss-of-function variants in AR are known to be pathogenic (PMID: 19463997). This variant is not present in population databases (gnomAD no frequency). This variant has not been reported in the literature in individuals affected with AR-related conditions. For these reasons, this variant has been classified as Pathogenic.

Literature cited by the submitters: PubMed 19463997.

NM_000044.6(AR):c.2464del (p.Gly821_Leu822insTer)

Gene: AR (androgen receptor; plus strand). Cytogenetic location: Xq12.
Variant type: Deletion.
Coding change: c.2464del on transcript NM_000044.6 (MANE Select); coding-DNA position 2464, one base deleted (C; older notation c.2464delC).
Protein change: p.Gly821_Leu822insTer.
Molecular consequence: nonsense.
Genome position (GRCh38, 1-based): chrX:67,722,841, C deleted. VCF-style (leftmost placement, unchanged base first): chrX-67722840-GC-G. GRCh37 (hg19) VCF-style: chrX-66942682-GC-G.
Other names: c.868del, p.Gly289_Leu290insTer (NM_001011645.3).
Identifiers: ClinVar variation 4785501 (VCV004785501.1).